The following is an entry in ClinVar:

NM_001104631.2(PDE4D):c.455+306789G>A

Gene: PDE4D (phosphodiesterase 4D; minus strand). Cytogenetic location: 5q11.2.
Variant type: single nucleotide variant.
Coding change: c.455+306789G>A on transcript NM_001104631.2 (MANE Select); 306789 bases into the intron after coding-DNA position 455, G replaced by A.
Molecular consequence: intron variant. On other transcripts: 5 prime UTR variant (3).
Genome position (GRCh38, 1-based): chr5:59,586,379, C>T on the plus strand (G>A on the coding strand, the complement: PDE4D is on the minus strand). VCF-style: chr5-59586379-C-T. GRCh37 (hg19) VCF-style: chr5-58882205-C-T.
Other names: c.-296G>A (NM_001349242.2); c.-290G>A (NM_001364604.1); c.-4G>A (NM_006203.5); c.273-370411G>A (NM_001364599.1, NM_001165899.2, NM_001364600.2); c.-239-370411G>A (NM_001349243.2); c.243-370411G>A (NM_001349241.2); c.263+181868G>A (NM_001197218.2, NM_001364602.2, NM_001364601.1); c.-496+181868G>A (NM_001364603.1).
Identifiers: ClinVar variation 3043422 (VCV003043422.2), dbSNP rs376681746, ClinGen allele CA3276534.

ClinVar aggregate classification (germline): Likely benign (0 of 4 stars; one submission).

Conditions:
PDE4D-related disorder. Also called: PDE4D-related condition.

Allele frequency attached by ClinVar (database versions not stated): gnomAD exomes 0.00001; ExAC 0.00003; gnomAD 0.00006; TOPMed 0.00006; ESP Exome Variant Server 0.00017.
gnomAD v4.1: 25 of 1,611,654 alleles (0.0016%); highest among the groups gnomAD compares: African/African-American, 0.013%; no homozygotes.

Submission:

PreventionGenetics, part of Exact Sciences
Classification: Likely benign for PDE4D-related condition. Last evaluated: 2019-10-14. Review status: no assertion criteria provided. Collection method: clinical testing. Allele origin: germline.
Comment: This variant is classified as likely benign based on ACMG/AMP sequence variant interpretation guidelines (Richards et al. 2015 PMID: 25741868, with internal and published modifications).